The following is an entry in ClinVar:

NM_001122681.2(SH3BP2):c.653C>G (p.Ser218Cys)

Gene: SH3BP2 (SH3 domain binding protein 2; plus strand). Cytogenetic location: 4p16.3.
Variant type: single nucleotide variant.
Coding change: c.653C>G on transcript NM_001122681.2 (MANE Select); coding-DNA position 653, C replaced by G.
Protein change: p.Ser218Cys; replaces serine 218 with cysteine.
Molecular consequence: missense variant.
Genome position (GRCh38, 1-based): chr4:2,829,559, C>G. VCF-style: chr4-2829559-C-G. GRCh37 (hg19) VCF-style: chr4-2831286-C-G.
Other names: c.737C>G, p.Ser246Cys (NM_001145855.2); c.824C>G, p.Ser275Cys (NM_001145856.2); c.653C>G, p.Ser218Cys (NM_003023.4); short protein forms S246C, S218C, S275C.
Identifiers: ClinVar variation 4718759 (VCV004718759.1).

ClinVar aggregate classification (germline): Uncertain significance (1 of 4 stars; one submission).

Conditions:
Fibrous dysplasia of jaw (CRBM). Also called: Cherubism. Identifiers: Orphanet 184, MedGen C0008029, MONDO:0007315, OMIM 118400.

Submission:

Labcorp Genetics (formerly Invitae), Labcorp
Classification: Uncertain significance for Fibrous dysplasia of jaw. Last evaluated: 2025-08-16. Review status: criteria provided, single submitter. Criteria: Invitae Variant Classification Sherloc (09022015). Collection method: clinical testing. Allele origin: germline.
Comment: This sequence change replaces serine, which is neutral and polar, with cysteine, which is neutral and slightly polar, at codon 218 of the SH3BP2 protein (p.Ser218Cys). This variant is not present in population databases (gnomAD no frequency). This variant has not been reported in the literature in individuals affected with SH3BP2-related conditions. Invitae Evidence Modeling of protein sequence and biophysical properties (such as structural, functional, and spatial information, amino acid conservation, physicochemical variation, residue mobility, and thermodynamic stability) indicates that this missense variant is not expected to disrupt SH3BP2 protein function with a negative predictive value of 80%. In summary, the available evidence is currently insufficient to determine the role of this variant in disease. Therefore, it has been classified as a Variant of Uncertain Significance.